The following is an entry in ClinVar:

ClinVar aggregate classification (germline): Uncertain significance. Review status: criteria provided, multiple submitters, no conflicts (2 of 4 stars). 3 submissions from 3 submitters: Uncertain significance (2). 1 of the submissions does not count toward it. Last evaluated 2025-04-01.

Conditions:
Inborn genetic diseases. Identifiers: MedGen C0950123, MeSH D030342.
Glycogen storage disease type III (GSD3). Also called: Cori disease; FORBES DISEASE. Identifiers: Orphanet 366, MedGen C0017922, MONDO:0009291, OMIM 232400.

Allele frequency attached by ClinVar (database versions not stated): gnomAD exomes below 0.00001 and 0.00001; gnomAD 0.00001 and 0.00002; TOPMed 0.00004.
gnomAD v4.1: 5 of 1,613,982 alleles (0.00031%); highest among the groups gnomAD compares: African/African-American, 0.0067%; no homozygotes.

Submissions (3):

Ambry Genetics
Classification: Uncertain significance for Inborn genetic diseases. Last evaluated: 2025-04-01. Review status: criteria provided, single submitter. Criteria: Ambry Variant Classification Scheme 2023. Collection method: clinical testing. Allele origin: germline.

Labcorp Genetics (formerly Invitae), Labcorp
Classification: Uncertain significance for Glycogen storage disease type III. Last evaluated: 2022-07-10. Review status: criteria provided, single submitter. Criteria: Invitae Variant Classification Sherloc (09022015). Collection method: clinical testing. Allele origin: germline.
Comment: This sequence change replaces histidine, which is basic and polar, with tyrosine, which is neutral and polar, at codon 709 of the AGL protein (p.His709Tyr). This variant is present in population databases (no rsID available, gnomAD 0.007%). This variant has not been reported in the literature in individuals affected with AGL-related conditions. ClinVar contains an entry for this variant (Variation ID: 859198). Algorithms developed to predict the effect of missense changes on protein structure and function are either unavailable or do not agree on the potential impact of this missense change (SIFT: "Deleterious"; PolyPhen-2: "Probably Damaging"; Align-GVGD: "Class C0"). Algorithms developed to predict the effect of sequence changes on RNA splicing suggest that this variant may disrupt the consensus splice site. In summary, the available evidence is currently insufficient to determine the role of this variant in disease. Therefore, it has been classified as a Variant of Uncertain Significance.

Natera, Inc.
Classification: Uncertain significance for Glycogen storage disease type III. Last evaluated: 2020-03-04. Review status: no assertion criteria provided. Collection method: clinical testing. Allele origin: germline. Not counted in ClinVar's aggregate classification.

NM_000642.3(AGL):c.2125C>T (p.His709Tyr)

Gene: AGL (amylo-alpha-1,6-glucosidase and 4-alpha-glucanotransferase; plus strand). Cytogenetic location: 1p21.2.
Variant type: single nucleotide variant.
Coding change: c.2125C>T on transcript NM_000642.3 (MANE Select); coding-DNA position 2125, C replaced by T.
Protein change: p.His709Tyr; replaces histidine 709 with tyrosine.
Molecular consequence: missense variant.
Genome position (GRCh38, 1-based): chr1:99,881,415, C>T. VCF-style: chr1-99881415-C-T. GRCh37 (hg19) VCF-style: chr1-100346971-C-T.
Other names: c.2125C>T, p.His709Tyr (NM_000028.3, NM_000643.3, NM_000644.3 and 2 more transcripts); c.2077C>T, p.His693Tyr (NM_000646.3); c.1924C>T, p.His642Tyr (NM_001425327.1); c.1921C>T, p.His641Tyr (NM_001425328.1, NM_001425329.1); c.1747C>T, p.His583Tyr (NM_001425332.1); short protein forms H693Y, H709Y, H583Y, H641Y, H642Y.
Identifiers: ClinVar variation 859198 (VCV000859198.12), dbSNP rs1249716180, ClinGen allele CA341319286.